The following is an entry in ClinVar:

NM_001709.5(BDNF):c.403C>T (p.Arg135Ter)

Genes: BDNF (brain derived neurotrophic factor; minus strand), BDNF-AS (BDNF antisense RNA; plus strand). Cytogenetic location: 11p14.1.
Variant type: single nucleotide variant.
Coding change: c.403C>T on transcript NM_001709.5 (MANE Select); coding-DNA position 403, C replaced by T.
Protein change: p.Arg135Ter; replaces arginine 135 with a stop codon.
Molecular consequence: nonsense.
Genome position (GRCh38, 1-based): chr11:27,658,162, G>A on the plus strand (C>T on the coding strand, the complement: BDNF is on the minus strand). VCF-style: chr11-27658162-G-A. GRCh37 (hg19) VCF-style: chr11-27679709-G-A.
Other names: c.403C>T, p.Arg135Ter (NM_001143805.1, NM_001143806.1, NM_001143807.2 and 9 more transcripts); c.490C>T, p.Arg164Ter (NM_001143809.2); c.649C>T, p.Arg217Ter (NM_001143810.2); c.427C>T, p.Arg143Ter (NM_170731.5); c.448C>T, p.Arg150Ter (NM_170734.4); short protein forms R143*, R135*, R150*, R164*, R217*.
Identifiers: ClinVar variation 5000953 (VCV005000953.1).

ClinVar aggregate classification (germline): Uncertain significance (1 of 4 stars; one submission).

Conditions:
BDNF-related disorder. Also called: BDNF-related condition.

Submission:

PreventionGenetics, part of Exact Sciences
Classification: Uncertain significance for BDNF-related condition. Last evaluated: 2025-01-19. Review status: criteria provided, single submitter. Criteria: ACMG Guidelines, 2015. Collection method: clinical testing. Allele origin: germline.
Comment: The BDNF c.649C>T variant is predicted to result in premature protein termination (p.Arg217*). This variant can be referred to as c.403C>T, p.Arg135* (NM_170735). To our knowledge, this variant has not been reported in the literature or in a large population database (gnomAD), indicating this variant is rare. Although we suspect that this variant may be pathogenic, at this time, the clinical significance of this variant is uncertain due to the absence of conclusive functional and genetic evidence.